The following is an entry in ClinVar:

NM_144670.6(A2ML1):c.3778G>A (p.Glu1260Lys)

Gene: A2ML1 (alpha-2-macroglobulin like 1; plus strand). Cytogenetic location: 12p13.31.
Variant type: single nucleotide variant.
Coding change: c.3778G>A on transcript NM_144670.6 (MANE Select); coding-DNA position 3778, G replaced by A.
Protein change: p.Glu1260Lys; replaces glutamic acid 1260 with lysine.
Molecular consequence: missense variant.
Genome position (GRCh38, 1-based): chr12:8,867,902, G>A. VCF-style: chr12-8867902-G-A. GRCh37 (hg19) VCF-style: chr12-9020498-G-A.
Other names: c.2305G>A, p.Glu769Lys (NM_001282424.3); short protein forms E1260K, E769K.
Identifiers: ClinVar variation 1395066 (VCV001395066.6), dbSNP rs2136957261, ClinGen allele CA383843997.

ClinVar aggregate classification (germline): Uncertain significance (1 of 4 stars; one submission).

Submission:

Labcorp Genetics (formerly Invitae), Labcorp
Classification: Uncertain significance. Last evaluated: 2021-08-17. Review status: criteria provided, single submitter. Criteria: Invitae Variant Classification Sherloc (09022015). Collection method: clinical testing. Allele origin: germline.
Comment: This variant has not been reported in the literature in individuals affected with A2ML1-related conditions. Algorithms developed to predict the effect of missense changes on protein structure and function output the following: SIFT: "Tolerated"; PolyPhen-2: "Benign"; Align-GVGD: "Class C0". The lysine amino acid residue is found in multiple mammalian species, which suggests that this missense change does not adversely affect protein function. In summary, the available evidence is currently insufficient to determine the role of this variant in disease. Therefore, it has been classified as a Variant of Uncertain Significance. This variant is not present in population databases (ExAC no frequency). This sequence change replaces glutamic acid with lysine at codon 1260 of the A2ML1 protein (p.Glu1260Lys). The glutamic acid residue is moderately conserved and there is a small physicochemical difference between glutamic acid and lysine.